The following is an entry in ClinVar:

NM_001353694.2(TIAM1):c.4710C>T (p.Ser1570=)

Gene: TIAM1 (TIAM Rac1 associated GEF 1; minus strand). Cytogenetic location: 21q22.11.
Variant type: single nucleotide variant.
Coding change: c.4710C>T on transcript NM_001353694.2 (MANE Select); coding-DNA position 4710, C replaced by T.
Protein change: p.Ser1570=; no amino-acid change (serine 1570 retained).
Molecular consequence: synonymous variant.
Genome position (GRCh38, 1-based): chr21:31,120,434, G>A on the plus strand (C>T on the coding strand, the complement: TIAM1 is on the minus strand). VCF-style: chr21-31120434-G-A. GRCh37 (hg19) VCF-style: chr21-32492752-G-A.
Other names: c.1809C>T, p.Ser603= (NM_001353684.2); c.1734C>T, p.Ser578= (NM_001353685.2); c.4635C>T, p.Ser1545= (NM_001353686.2, NM_001353687.2); c.4710C>T, p.Ser1570= (NM_001353688.1, NM_001353689.1, NM_001353690.1 and 4 more transcripts).
Identifiers: ClinVar variation 4977484 (VCV004977484.1).

ClinVar aggregate classification (germline): Likely benign (1 of 4 stars; one submission).

Conditions:
TIAM1-related disorder. Also called: TIAM1-related condition.

gnomAD v4.1: 18 of 1,614,058 alleles (0.0011%); highest among the groups gnomAD compares: African/African-American, 0.017%; no homozygotes.

Submission:

PreventionGenetics, part of Exact Sciences
Classification: Likely benign for TIAM1-related condition. Last evaluated: 2026-09-17. Review status: criteria provided, single submitter. Criteria: ACMG Guidelines, 2015. Collection method: clinical testing. Allele origin: germline.
Comment: This variant is classified as likely benign based on ACMG/AMP sequence variant interpretation guidelines (Richards et al. 2015 PMID: 25741868, with internal and published modifications).